The following is an entry in ClinVar:

ClinVar aggregate classification (germline): Likely benign (0 of 4 stars; one submission).

Conditions:
CTTNBP2-related disorder. Also called: CTTNBP2-related condition.

Allele frequency attached by ClinVar (database versions not stated): gnomAD exomes below 0.00001; TOPMed 0.00006; gnomAD 0.00007.
gnomAD v4.1: 19 of 1,607,852 alleles (0.0012%); highest among the groups gnomAD compares: African/African-American, 0.016%; no homozygotes.

Submission:

PreventionGenetics, part of Exact Sciences
Classification: Likely benign for CTTNBP2-related condition. Last evaluated: 2019-02-20. Review status: no assertion criteria provided. Collection method: clinical testing. Allele origin: germline.
Comment: This variant is classified as likely benign based on ACMG/AMP sequence variant interpretation guidelines (Richards et al. 2015 PMID: 25741868, with internal and published modifications).

NM_033427.3(CTTNBP2):c.186G>A (p.Leu62=)

Gene: CTTNBP2 (cortactin binding protein 2; minus strand). Cytogenetic location: 7q31.31.
Variant type: single nucleotide variant.
Coding change: c.186G>A on transcript NM_033427.3 (MANE Select); coding-DNA position 186, G replaced by A.
Protein change: p.Leu62=; no amino-acid change (leucine 62 retained).
Molecular consequence: synonymous variant. On other transcripts: 5 prime UTR variant (2).
Genome position (GRCh38, 1-based): chr7:117,861,212, C>T on the plus strand (G>A on the coding strand, the complement: CTTNBP2 is on the minus strand). VCF-style: chr7-117861212-C-T. GRCh37 (hg19) VCF-style: chr7-117501266-C-T.
Other names: c.132G>A, p.Leu44= (NM_001363349.1); c.-1749G>A (NM_001363350.1, NM_001363351.1).
Identifiers: ClinVar variation 3048465 (VCV003048465.2), dbSNP rs1053842004, ClinGen allele CA165507722.